The following is an entry in ClinVar:

ClinVar aggregate classification (germline): Uncertain significance (1 of 4 stars; one submission).

Allele frequency attached by ClinVar (database versions not stated): gnomAD exomes 0.00001.
gnomAD v4.1: 3 of 1,528,418 alleles (0.0002%); highest among the groups gnomAD compares: Non-Finnish European, 0.00026%; no homozygotes.

Submission:

Labcorp Genetics (formerly Invitae), Labcorp
Classification: Uncertain significance. Last evaluated: 2025-06-09. Review status: criteria provided, single submitter. Criteria: Invitae Variant Classification Sherloc (09022015). Collection method: clinical testing. Allele origin: germline.
Comment: This sequence change replaces proline, which is neutral and non-polar, with serine, which is neutral and polar, at codon 573 of the COL18A1 protein (p.Pro573Ser). This variant is not present in population databases (gnomAD no frequency). This variant has not been reported in the literature in individuals affected with COL18A1-related conditions. ClinVar contains an entry for this variant (Variation ID: 1471890). Experimental studies and prediction algorithms are not available or were not evaluated, and the functional significance of this variant is currently unknown. In summary, the available evidence is currently insufficient to determine the role of this variant in disease. Therefore, it has been classified as a Variant of Uncertain Significance.

NM_001379500.1(COL18A1):c.1717C>T (p.Pro573Ser)

Gene: COL18A1 (collagen type XVIII alpha 1 chain; plus strand). Cytogenetic location: 21q22.3.
Variant type: single nucleotide variant.
Coding change: c.1717C>T on transcript NM_001379500.1 (MANE Select); coding-DNA position 1717, C replaced by T.
Protein change: p.Pro573Ser; replaces proline 573 with serine.
Molecular consequence: missense variant.
Genome position (GRCh38, 1-based): chr21:45,486,876, C>T. VCF-style: chr21-45486876-C-T. GRCh37 (hg19) VCF-style: chr21-46906790-C-T.
Other names: c.2257C>T, p.Pro753Ser (NM_030582.4); c.2962C>T, p.Pro988Ser (NM_130444.3); short protein forms P753S, P573S, P988S.
Identifiers: ClinVar variation 1471890 (VCV001471890.6), dbSNP rs1399595323, ClinGen allele CA410496181.
Genomic context (GRCh38, chr21:45,486,876, plus strand): 5'-CGGGGGCTGGGCTGGGTCCTGACACGCTCTCCTCACCCCACGCAGGGGAGCAAGGGAGCC[C>T]CCGGTCCTGCTGGTGCTCGTGGGGAGAGCGGCCTGGCAGGAGCCCCCGGACCTGCTGGAC-3'
Protein context (NP_001366429.1, residues 563-583): APGHKGSKGA[Pro573Ser]GPAGARGESG